The following is an entry in ClinVar:

NM_014225.6(PPP2R1A):c.1078A>G (p.Asn360Asp)

Gene: PPP2R1A (protein phosphatase 2 scaffold subunit Aalpha; plus strand). Cytogenetic location: 19q13.41.
Variant type: single nucleotide variant.
Coding change: c.1078A>G on transcript NM_014225.6 (MANE Select); coding-DNA position 1078, A replaced by G.
Protein change: p.Asn360Asp; replaces asparagine 360 with aspartic acid.
Molecular consequence: missense variant. On other transcripts: non-coding transcript variant (1).
Genome position (GRCh38, 1-based): chr19:52,216,613, A>G. VCF-style: chr19-52216613-A-G. GRCh37 (hg19) VCF-style: chr19-52719866-A-G.
Other names: c.541A>G, p.Asn181Asp (NM_001363656.2); short protein forms N181D, N360D.
Identifiers: ClinVar variation 4852464 (VCV004852464.1).

ClinVar aggregate classification (germline): Likely benign (1 of 4 stars; one submission).

Conditions:
Houge-Janssens syndrome 2. Also called: Microcephaly-corpus callosum hypoplasia-intellectual disability-facial dysmorphism syndrome; INTELLECTUAL DEVELOPMENTAL DISORDER, AUTOSOMAL DOMINANT 36; PPP2R1A-Related Neurodevelopmental Disorder. Identifiers: Orphanet 457284, MedGen C4225352, MONDO:0014605, OMIM 616362.

Submission:

Centre for Medical Genetics,  Mumbai
Classification: Likely benign for Houge-Janssens syndrome 2. Last evaluated: 2026-05-13. Review status: criteria provided, single submitter. Criteria: ACMG Guidelines, 2015. Collection method: provider interpretation. Allele origin: germline. Inheritance: Autosomal dominant inheritance. Affected: no. Observed: 1 variant allele, 1 heterozygote.
Comment: The variant satisfies PM2 criteria - extremely low frequency in gnomAD population databases. The variant satisfies PP2 criteria - missense variant in a gene with low rate of benign missense mutations and for which missense mutation is a common mechanism of a disease. The variant satisfies BP4 criteria - for a missense or a splice region variant, computational prediction tools unanimously support a benign effect on the gene. However, the variant satisfies BS2 criteria - present in heterozygous state in an individual that clinically does not have Houge-Janssens syndrome.

Literature cited by the submitters: PubMed 25533962.